The following is an entry in ClinVar:

NM_005172.2(ATOH1):c.711C>A (p.His237Gln)

Gene: ATOH1 (atonal bHLH transcription factor 1; plus strand). Cytogenetic location: 4q22.2.
Variant type: single nucleotide variant.
Coding change: c.711C>A on transcript NM_005172.2 (MANE Select); coding-DNA position 711, C replaced by A.
Protein change: p.His237Gln; replaces histidine 237 with glutamine.
Molecular consequence: missense variant.
Genome position (GRCh38, 1-based): chr4:93,829,637, C>A. VCF-style: chr4-93829637-C-A. GRCh37 (hg19) VCF-style: chr4-94750788-C-A.
Other names: short protein forms H237Q.
Identifiers: ClinVar variation 773455 (VCV000773455.6), dbSNP rs35182771, ClinGen allele CA3012806.

ClinVar aggregate classification (germline): Benign. Review status: criteria provided, multiple submitters, no conflicts (2 of 4 stars). 3 submissions from 3 submitters: Benign (2). 1 of the submissions does not count toward it. Last evaluated 2019-01-11.

Conditions:
ATOH1-related disorder. Also called: ATOH1-related condition.

Allele frequency attached by ClinVar (database versions not stated): 1000 Genomes Project 0.00399; 1000 Genomes Project 30x 0.00406; ESP Exome Variant Server 0.00631; TOPMed 0.00654; gnomAD 0.00663 and 0.00676.

Submissions (3):

Labcorp Genetics (formerly Invitae), Labcorp
Classification: Benign. Last evaluated: 2019-01-11. Review status: criteria provided, single submitter. Criteria: Invitae Variant Classification Sherloc (09022015). Collection method: clinical testing. Allele origin: germline.

Breakthrough Genomics
Classification: Benign. Review status: criteria provided, single submitter. Criteria: ACMG Guidelines, 2015. Collection method: not provided. Allele origin: germline. Inheritance: Autosomal dominant inheritance. Affected: yes.

PreventionGenetics, part of Exact Sciences
Classification: Benign for ATOH1-related condition. Last evaluated: 2019-06-07. Review status: no assertion criteria provided. Collection method: clinical testing. Allele origin: germline. Not counted in ClinVar's aggregate classification.
Comment: This variant is classified as benign based on ACMG/AMP sequence variant interpretation guidelines (Richards et al. 2015 PMID: 25741868, with internal and published modifications).